The following is an entry in ClinVar:

ClinVar aggregate classification (germline): Uncertain significance (1 of 4 stars; one submission).

Conditions:
Hypertrophic cardiomyopathy. Also called: HYPERTROPHIC MYOCARDIOPATHY. Identifiers: Orphanet 217569, MedGen C0007194, MeSH D002312, MONDO:0005045, HP:0001639.

Submission:

Labcorp Genetics (formerly Invitae), Labcorp
Classification: Uncertain significance for Hypertrophic cardiomyopathy. Last evaluated: 2025-03-14. Review status: criteria provided, single submitter. Criteria: Invitae Variant Classification Sherloc (09022015). Collection method: clinical testing. Allele origin: germline.
Comment: This sequence change replaces glutamine, which is neutral and polar, with arginine, which is basic and polar, at codon 1105 of the MYH7 protein (p.Gln1105Arg). This variant is not present in population databases (gnomAD no frequency). This variant has not been reported in the literature in individuals affected with MYH7-related conditions. Invitae Evidence Modeling of protein sequence and biophysical properties (such as structural, functional, and spatial information, amino acid conservation, physicochemical variation, residue mobility, and thermodynamic stability) indicates that this missense variant is expected to disrupt MYH7 protein function with a positive predictive value of 95%. In summary, the available evidence is currently insufficient to determine the role of this variant in disease. Therefore, it has been classified as a Variant of Uncertain Significance.

NM_000257.4(MYH7):c.3314A>G (p.Gln1105Arg)

Gene: MYH7 (myosin heavy chain 7; minus strand). Cytogenetic location: 14q11.2.
Variant type: single nucleotide variant.
Coding change: c.3314A>G on transcript NM_000257.4 (MANE Select); coding-DNA position 3314, A replaced by G.
Protein change: p.Gln1105Arg; replaces glutamine 1105 with arginine.
Molecular consequence: missense variant.
Genome position (GRCh38, 1-based): chr14:23,420,980, T>C on the plus strand (A>G on the coding strand, the complement: MYH7 is on the minus strand). VCF-style: chr14-23420980-T-C. GRCh37 (hg19) VCF-style: chr14-23890189-T-C.
Other names: c.3314A>G, p.Gln1105Arg (NM_001407004.1); short protein forms Q1105R.
Identifiers: ClinVar variation 4801932 (VCV004801932.1).